The following is an entry in ClinVar:

ClinVar aggregate classification (germline): Uncertain significance (1 of 4 stars; one submission).

Conditions:
Baller-Gerold syndrome (BGS). Also called: CRANIOSYNOSTOSIS WITH RADIAL DEFECTS. Identifiers: Orphanet 1225, MedGen C0265308, MONDO:0009039, OMIM 218600.

Submission:

Labcorp Genetics (formerly Invitae), Labcorp
Classification: Uncertain significance for Baller-Gerold syndrome. Last evaluated: 2025-02-17. Review status: criteria provided, single submitter. Criteria: Invitae Variant Classification Sherloc (09022015). Collection method: clinical testing. Allele origin: germline.
Comment: This sequence change replaces leucine, which is neutral and non-polar, with valine, which is neutral and non-polar, at codon 787 of the RECQL4 protein (p.Leu787Val). This variant is not present in population databases (gnomAD no frequency). This variant has not been reported in the literature in individuals affected with RECQL4-related conditions. ClinVar contains an entry for this variant (Variation ID: 943278). Invitae Evidence Modeling of protein sequence and biophysical properties (such as structural, functional, and spatial information, amino acid conservation, physicochemical variation, residue mobility, and thermodynamic stability) indicates that this missense variant is not expected to disrupt RECQL4 protein function with a negative predictive value of 80%. In summary, the available evidence is currently insufficient to determine the role of this variant in disease. Therefore, it has been classified as a Variant of Uncertain Significance.

NM_004260.4(RECQL4):c.2359C>G (p.Leu787Val)

Gene: RECQL4 (RecQ like helicase 4; minus strand). Cytogenetic location: 8q24.3.
Variant type: single nucleotide variant.
Coding change: c.2359C>G on transcript NM_004260.4 (MANE Select); coding-DNA position 2359, C replaced by G.
Protein change: p.Leu787Val; replaces leucine 787 with valine.
Molecular consequence: missense variant.
Genome position (GRCh38, 1-based): chr8:144,513,322, G>C on the plus strand (C>G on the coding strand, the complement: RECQL4 is on the minus strand). VCF-style: chr8-144513322-G-C. GRCh37 (hg19) VCF-style: chr8-145738705-G-C.
Other names: short protein forms L787V.
Identifiers: ClinVar variation 943278 (VCV000943278.6), dbSNP rs1827613025, ClinGen allele CA372678287.